The following is an entry in ClinVar:

NM_182746.3(MCM4):c.2102G>A (p.Arg701Gln)

Gene: MCM4 (minichromosome maintenance complex component 4; plus strand). Cytogenetic location: 8q11.21.
Variant type: single nucleotide variant.
Coding change: c.2102G>A on transcript NM_182746.3 (MANE Select); coding-DNA position 2102, G replaced by A.
Protein change: p.Arg701Gln; replaces arginine 701 with glutamine.
Molecular consequence: missense variant.
Genome position (GRCh38, 1-based): chr8:47,973,030, G>A. VCF-style: chr8-47973030-G-A. GRCh37 (hg19) VCF-style: chr8-48885590-G-A.
Other names: c.2102G>A, p.Arg701Gln (NM_005914.4); short protein forms R701Q.
Identifiers: ClinVar variation 910776 (VCV000910776.11), dbSNP rs143417982, ClinGen allele CA4742801.

ClinVar aggregate classification (germline): Uncertain significance. Review status: criteria provided, multiple submitters, no conflicts (2 of 4 stars). 4 submissions from 4 submitters: Uncertain significance (3). 1 of the submissions does not count toward it. Last evaluated 2025-01-07.

Conditions:
Primary immunodeficiency with natural-killer cell deficiency and adrenal insufficiency (IMD54). Also called: Natural killer cell and glucocorticoid deficiency with DNA repair defect; IMMUNODEFICIENCY 54. Identifiers: Orphanet 75391, MedGen C1864947, MONDO:0012383, OMIM 609981.
MCM4-related disorder. Also called: MCM4-related condition.

Allele frequency attached by ClinVar (database versions not stated): gnomAD exomes 0.00028; ExAC 0.00029; ESP Exome Variant Server 0.00062; gnomAD 0.00077 and 0.00078; 1000 Genomes Project 0.00080; TOPMed 0.00092; 1000 Genomes Project 30x 0.00094.

Submissions (4):

Labcorp Genetics (formerly Invitae), Labcorp
Classification: Uncertain significance. Last evaluated: 2025-01-07. Review status: criteria provided, single submitter. Criteria: Invitae Variant Classification Sherloc (09022015). Collection method: clinical testing. Allele origin: germline.
Comment: This sequence change replaces arginine, which is basic and polar, with glutamine, which is neutral and polar, at codon 701 of the MCM4 protein (p.Arg701Gln). This variant is present in population databases (rs143417982, gnomAD 0.2%). This variant has not been reported in the literature in individuals affected with MCM4-related conditions. ClinVar contains an entry for this variant (Variation ID: 910776). Invitae Evidence Modeling of protein sequence and biophysical properties (such as structural, functional, and spatial information, amino acid conservation, physicochemical variation, residue mobility, and thermodynamic stability) indicates that this missense variant is not expected to disrupt MCM4 protein function with a negative predictive value of 80%. In summary, the available evidence is currently insufficient to determine the role of this variant in disease. Therefore, it has been classified as a Variant of Uncertain Significance.

Illumina Laboratory Services, Illumina
Classification: Uncertain significance for Primary immunodeficiency with natural-killer cell deficiency and adrenal insufficiency. Last evaluated: 2018-04-20. Review status: criteria provided, single submitter. Criteria: ICSL Variant Classification Criteria 13 December 2019. Collection method: clinical testing. Allele origin: germline.

Breakthrough Genomics
Classification: Uncertain significance. Review status: criteria provided, single submitter. Criteria: ACMG Guidelines, 2015. Collection method: not provided. Allele origin: germline. Inheritance: Autosomal recessive inheritance. Affected: yes.

PreventionGenetics, part of Exact Sciences
Classification: Likely benign for MCM4-related condition. Last evaluated: 2022-02-23. Review status: no assertion criteria provided. Collection method: clinical testing. Allele origin: germline. Not counted in ClinVar's aggregate classification.
Comment: This variant is classified as likely benign based on ACMG/AMP sequence variant interpretation guidelines (Richards et al. 2015 PMID: 25741868, with internal and published modifications).